The following is an entry in ClinVar:

ClinVar aggregate classification (germline): Pathogenic (1 of 4 stars; one submission).

Submission:

Labcorp Genetics (formerly Invitae), Labcorp
Classification: Pathogenic. Last evaluated: 2024-05-25. Review status: criteria provided, single submitter. Criteria: Invitae Variant Classification Sherloc (09022015). Collection method: clinical testing. Allele origin: germline.
Comment: This sequence change creates a premature translational stop signal (p.Thr123Asnfs*21) in the TBX20 gene. It is expected to result in an absent or disrupted protein product. Loss-of-function variants in TBX20 are known to be pathogenic (PMID: 15901664, 25625280, 26118961, 27510170). This variant is not present in population databases (gnomAD no frequency). This variant has not been reported in the literature in individuals affected with TBX20-related conditions. ClinVar contains an entry for this variant (Variation ID: 2057023). For these reasons, this variant has been classified as Pathogenic.

Literature cited by the submitters: PubMed 15901664; PubMed 25625280; PubMed 26118961; PubMed 27510170.

NM_001077653.2(TBX20):c.367dup (p.Thr123fs)

Gene: TBX20 (T-box transcription factor 20; minus strand). Cytogenetic location: 7p14.2.
Variant type: Duplication.
Coding change: c.367dup on transcript NM_001077653.2 (MANE Select); coding-DNA position 367, one base duplicated (A; older notation c.367dupA).
Protein change: p.Thr123fs; shifts the reading frame from threonine 123.
Molecular consequence: frameshift variant.
Genome position (GRCh38, 1-based): chr7:35,249,964, T duplicated on the plus strand (A on the coding strand, the reverse complement: TBX20 is on the minus strand). VCF-style (leftmost placement, unchanged base first): chr7-35249963-G-GT. GRCh37 (hg19) VCF-style: chr7-35289575-G-GT.
Other names: c.367dup, p.Thr123fs (NM_001166220.1); short protein forms T123fs.
Identifiers: ClinVar variation 2057023 (VCV002057023.4), dbSNP rs2546997268, ClinGen allele CA2580077076.